The following is an entry in ClinVar:

NM_001378964.1(CDON):c.866C>T (p.Ser289Phe)

Gene: CDON (cell adhesion associated, oncogene regulated; minus strand). Cytogenetic location: 11q24.2.
Variant type: single nucleotide variant.
Coding change: c.866C>T on transcript NM_001378964.1 (MANE Select); coding-DNA position 866, C replaced by T.
Protein change: p.Ser289Phe; replaces serine 289 with phenylalanine.
Molecular consequence: missense variant.
Genome position (GRCh38, 1-based): chr11:126,017,150, G>A on the plus strand (C>T on the coding strand, the complement: CDON is on the minus strand). VCF-style: chr11-126017150-G-A. GRCh37 (hg19) VCF-style: chr11-125887045-G-A.
Other names: c.866C>T, p.Ser289Phe (NM_001243597.3, NM_016952.6); short protein forms S289F.
Identifiers: ClinVar variation 1721885 (VCV001721885.5), dbSNP rs2497232039, ClinGen allele CA383210670.
Genomic context (GRCh38, chr11:126,017,150, plus strand): 5'-AGTACATTAACCATGTAAGTCACATATTTTACATCTCCAGACTTGTTTCCCGCCATGCAG[G>A]AATAGTTTCCGGAGTCCGCCGGGTCAACGCTATCAGTGGCAAGATGAGAATACAACCTTC-3'
Protein context (NP_001365893.1, residues 279-299): SVDPADSGNY[Ser289Phe]CMAGNKSGDV

ClinVar aggregate classification (germline): Uncertain significance (1 of 4 stars; one submission).

Conditions:
Holoprosencephaly 11 (HPE11). Identifiers: Orphanet 2162, MedGen C3280215, MONDO:0013642, OMIM 614226.

Submission:

Labcorp Genetics (formerly Invitae), Labcorp
Classification: Uncertain significance for Holoprosencephaly 11. Last evaluated: 2023-03-10. Review status: criteria provided, single submitter. Criteria: Invitae Variant Classification Sherloc (09022015). Collection method: clinical testing. Allele origin: germline.
Comment: This sequence change replaces serine, which is neutral and polar, with phenylalanine, which is neutral and non-polar, at codon 289 of the CDON protein (p.Ser289Phe). This variant is not present in population databases (gnomAD no frequency). This variant has not been reported in the literature in individuals affected with CDON-related conditions. ClinVar contains an entry for this variant (Variation ID: 1721885). Advanced modeling of protein sequence and biophysical properties (such as structural, functional, and spatial information, amino acid conservation, physicochemical variation, residue mobility, and thermodynamic stability) performed at Invitae indicates that this missense variant is not expected to disrupt CDON protein function. In summary, the available evidence is currently insufficient to determine the role of this variant in disease. Therefore, it has been classified as a Variant of Uncertain Significance.